The following is an entry in ClinVar:

NM_177550.5(SLC13A5):c.1585G>A (p.Gly529Arg)

Gene: SLC13A5 (solute carrier family 13 member 5; minus strand). Cytogenetic location: 17p13.1.
Variant type: single nucleotide variant.
Coding change: c.1585G>A on transcript NM_177550.5 (MANE Select); coding-DNA position 1585, G replaced by A.
Protein change: p.Gly529Arg; replaces glycine 529 with arginine.
Molecular consequence: missense variant.
Genome position (GRCh38, 1-based): chr17:6,686,329, C>T on the plus strand (G>A on the coding strand, the complement: SLC13A5 is on the minus strand). VCF-style: chr17-6686329-C-T. GRCh37 (hg19) VCF-style: chr17-6589648-C-T.
Other names: c.1447G>A, p.Gly483Arg (NM_001143838.3); c.1534G>A, p.Gly512Arg (NM_001284509.2); c.1456G>A, p.Gly486Arg (NM_001284510.2); short protein forms G486R, G512R, G483R, G529R.
Identifiers: ClinVar variation 2106092 (VCV002106092.4), dbSNP rs2544603162, ClinGen allele CA397737252.

ClinVar aggregate classification (germline): Uncertain significance (1 of 4 stars; one submission).

Conditions:
Developmental and epileptic encephalopathy, 25 (DEE25). Also called: Developmental and epileptic encephalopathy 25, with amelogenesis imperfecta; Epileptic encephalopathy, early infantile, 25, with amelogenesis imperfecta; Epileptic encephalopathy, early infantile, 25. Identifiers: Orphanet 442835, MedGen C4014621, MONDO:0014392, OMIM 615905.

Submission:

Labcorp Genetics (formerly Invitae), Labcorp
Classification: Uncertain significance for Developmental and epileptic encephalopathy, 25. Last evaluated: 2022-03-04. Review status: criteria provided, single submitter. Criteria: Invitae Variant Classification Sherloc (09022015). Collection method: clinical testing. Allele origin: germline.
Comment: In summary, the available evidence is currently insufficient to determine the role of this variant in disease. Therefore, it has been classified as a Variant of Uncertain Significance. This sequence change replaces glycine, which is neutral and non-polar, with arginine, which is basic and polar, at codon 529 of the SLC13A5 protein (p.Gly529Arg). This variant is not present in population databases (gnomAD no frequency). This variant has not been reported in the literature in individuals affected with SLC13A5-related conditions. Algorithms developed to predict the effect of missense changes on protein structure and function (SIFT, PolyPhen-2, Align-GVGD) all suggest that this variant is likely to be disruptive.